The following is an entry in ClinVar:

NM_003998.4(NFKB1):c.2228del

Gene: NFKB1 (nuclear factor kappa B subunit 1; plus strand). Cytogenetic location: 4q24.
Variant type: Deletion.
Coding change: c.2228del on transcript NM_003998.4 (MANE Select); coding-DNA position 2228, one base deleted (G; older notation c.2228delG).
Molecular consequence: splice acceptor variant.
Genome position (GRCh38, 1-based): chr4:102,610,575, G deleted; the last of 2 consecutive G bases (chr4:102,610,574-102,610,575); deleting either gives the same sequence. VCF-style (leftmost placement, unchanged base first): chr4-102610573-AG-A. GRCh37 (hg19) VCF-style: chr4-103531730-AG-A.
Identifiers: ClinVar variation 3901213 (VCV003901213.1).
Genomic context (GRCh38, chr4:102,610,573, plus strand): 5'-GCAGGCAGTTGGAAGTTGACAAGATCTGGGTTTACCTAATGCTGTGTAATCTAACTTCGC[AG>A]GAGCAGATCCCCTGGTGGAGAACTTTGAGCCTCTCTATGACCTGGATGACTCTTGGGAAA-3'

ClinVar aggregate classification (germline): Pathogenic (1 of 4 stars; one submission).

Conditions:
Immunodeficiency, common variable, 12 (CVID12). Also called: IMMUNODEFICIENCY, COMMON VARIABLE, 12, WITH AUTOIMMUNITY; NFKB1 DEFICIENCY. Identifiers: Orphanet 1572, Orphanet 696874, MedGen C4225277, MONDO:0014697, OMIM 616576.

Submission:

Institute of Human Genetics, University of Leipzig Medical Center
Classification: Pathogenic for Immunodeficiency, common variable, 12. Last evaluated: 2025-04-08. Review status: criteria provided, single submitter. Criteria: ACMG Guidelines, 2015. Collection method: clinical testing. Allele origin: unknown. Inheritance: Autosomal dominant inheritance. Affected: yes.
Comment: Criteria applied: PVS1,PM2